The following is an entry in ClinVar:

NM_000038.6(APC):c.4478C>T (p.Thr1493Met)

Gene: APC (APC regulator of Wnt signaling pathway; plus strand). Cytogenetic location: 5q22.2.
Variant type: single nucleotide variant.
Coding change: c.4478C>T on transcript NM_000038.6 (MANE Select); coding-DNA position 4478, C replaced by T.
Protein change: p.Thr1493Met; replaces threonine 1493 with methionine.
Molecular consequence: missense variant.
Genome position (GRCh38, 1-based): chr5:112,840,072, C>T. VCF-style: chr5-112840072-C-T. GRCh37 (hg19) VCF-style: chr5-112175769-C-T.
Other names: p.T1493M:ACG>ATG; c.4478C>T, p.Thr1493Met (NM_001127510.3, NM_001354895.2); c.4424C>T, p.Thr1475Met (NM_001127511.3); c.4532C>T, p.Thr1511Met (NM_001354896.2); c.4508C>T, p.Thr1503Met (NM_001354897.2); c.4403C>T, p.Thr1468Met (NM_001354898.2); c.4394C>T, p.Thr1465Met (NM_001354899.2); c.4355C>T, p.Thr1452Met (NM_001354900.2); and 6 more; short protein forms T1475M, T1493M, T1465M, T1503M, T1210M, T1367M, T1392M, T1402M.
Identifiers: ClinVar variation 141521 (VCV000141521.37), dbSNP rs374892194, ClinGen allele CA009574.

ClinVar aggregate classification (germline): Conflicting classifications of pathogenicity. Review status: criteria provided, conflicting classifications (1 of 4 stars). 13 submissions from 13 submitters: Uncertain significance (10); Benign (1); Likely benign (1). 1 of the submissions does not count toward it. Last evaluated 2026-02-05.

Conditions:
APC-related disorder. Also called: APC-related condition.
Classic or attenuated familial adenomatous polyposis. Identifiers: MedGen CN372698, MONDO:0021057.
Hereditary cancer-predisposing syndrome. Also called: Tumor predisposition; Neoplastic Syndromes, Hereditary; Hereditary neoplastic syndrome; Hereditary Cancer Syndrome. Identifiers: Orphanet 140162, MedGen C0027672, MeSH D009386, MONDO:0015356.
Familial adenomatous polyposis 1 (FAP1). Also called: FAMILIAL ADENOMATOUS POLYPOSIS 1, ATTENUATED; POLYPOSIS, ADENOMATOUS INTESTINAL. Identifiers: MedGen C2713442, MONDO:0021056, OMIM 175100. Disease mechanism: loss of function.

Allele frequency attached by ClinVar (database versions not stated): gnomAD exomes 0.00002 and 0.00003; TOPMed 0.00002; ExAC 0.00003; gnomAD 0.00005 and 0.00006; ESP Exome Variant Server 0.00008.
gnomAD v4.1: 50 of 1,613,948 alleles (0.0031%); highest among the groups gnomAD compares: African/African-American, 0.0093%; no homozygotes.

Submissions (13):

PreventionGenetics, part of Exact Sciences
Classification: Uncertain significance for APC-related condition. Last evaluated: 2026-02-05. Review status: criteria provided, single submitter. Criteria: ACMG Guidelines, 2015. Collection method: clinical testing. Allele origin: germline.
Comment: The APC c.4478C>T variant is predicted to result in the amino acid substitution p.Thr1493Met. This variant was identified in a cohort of individuals affected with colorectal cancer (DeRycke et al. 2017. PubMed ID: 28944238). This variant is reported in 0.012% of alleles in individuals of African descent in gnomAD and and has conflicting interpretations in ClinVar ranging from likely benign to uncertain (Variation ID: 141521). At this time, the clinical significance of this variant is uncertain due to the absence of conclusive functional and genetic evidence.

Labcorp Genetics (formerly Invitae), Labcorp
Classification: Uncertain significance for Familial adenomatous polyposis 1. Last evaluated: 2025-12-31. Review status: criteria provided, single submitter. Criteria: Invitae Variant Classification Sherloc (09022015). Collection method: clinical testing. Allele origin: germline.
Comment: This sequence change replaces threonine, which is neutral and polar, with methionine, which is neutral and non-polar, at codon 1493 of the APC protein (p.Thr1493Met). This variant is present in population databases (rs374892194, gnomAD 0.01%). This variant has not been reported in the literature in individuals affected with APC-related conditions. ClinVar contains an entry for this variant (Variation ID: 141521). Invitae Evidence Modeling of protein sequence and biophysical properties (such as structural, functional, and spatial information, amino acid conservation, physicochemical variation, residue mobility, and thermodynamic stability) indicates that this missense variant is not expected to disrupt APC protein function with a negative predictive value of 95%. In summary, the available evidence is currently insufficient to determine the role of this variant in disease. Therefore, it has been classified as a Variant of Uncertain Significance.

Color Diagnostics, LLC DBA Color Health
Classification: Likely benign for Hereditary cancer-predisposing syndrome. Last evaluated: 2024-11-13. Review status: criteria provided, single submitter. Criteria: ACMG Guidelines, 2015. Collection method: clinical testing. Allele origin: germline.

Quest Diagnostics Nichols Institute San Juan Capistrano
Classification: Uncertain significance. Last evaluated: 2024-11-11. Review status: criteria provided, single submitter. Criteria: Quest Diagnostics criteria. Collection method: clinical testing. Allele origin: unknown.
Comment: The APC c.4478C>T (p.Thr1493Met) variant has been reported in the published literature in in individuals with colorectal cancer (PMID: 28944238 (2017)) as well as in reportedly healthy individuals (PMID: 18199528 (2008)). The frequency of this variant in the general population, 0.00012 (3/24676 chromosomes in African/African American subpopulation (Genome Aggregation Database)), is higher than would generally be expected for pathogenic variants in this gene. Analysis of this variant using bioinformatics tools for the prediction of the effect of amino acid changes on protein structure and function yielded predictions that this variant is damaging. Based on the available information, we are unable to determine the clinical significance of this variant.

All of Us Research Program, National Institutes of Health
Classification: Uncertain significance for Classic or attenuated familial adenomatous polyposis. Last evaluated: 2024-06-11. Review status: criteria provided, single submitter. Criteria: ACMG Guidelines, 2015. Collection method: clinical testing. Allele origin: germline. Inheritance: Autosomal dominant inheritance. Observed: 6 variant alleles, 6 heterozygotes.
Comment: This missense variant replaces threonine with methionine at codon 1493 of the APC protein. Computational prediction suggests that this variant may not impact protein structure and function (internally defined REVEL score threshold <= 0.5, PMID: 27666373). To our knowledge, functional studies have not been reported for this variant. This variant has been reported in a healthy control individual (PMID 18199528) and in a tumor sample from an individual affected with breast cancer (PMID: 26486734). This variant has been identified in 8/281844 chromosomes in the general population by the Genome Aggregation Database (gnomAD). The available evidence is insufficient to determine the role of this variant in disease conclusively. Therefore, this variant is classified as a Variant of Uncertain Significance.

This study involves interpretation of variants in research participants for the purpose of population health screening. Participant phenotype was not available at the time of variant classification. Additional details can be found in publication PMID: 35346344, PMCID: PMC8962531

Baylor Genetics
Classification: Uncertain significance for Familial adenomatous polyposis 1. Last evaluated: 2023-09-20. Review status: criteria provided, single submitter. Criteria: ACMG Guidelines, 2015. Collection method: clinical testing. Allele origin: unknown.

Institute for Biomarker Research, Medical Diagnostic Laboratories, L.L.C.
Classification: Uncertain significance for Hereditary cancer-predisposing syndrome. Last evaluated: 2023-04-11. Review status: criteria provided, single submitter. Criteria: ACMG Guidelines, 2015. Collection method: clinical testing. Allele origin: germline.

GeneDx
Classification: Uncertain significance. Last evaluated: 2023-04-04. Review status: criteria provided, single submitter. Criteria: GeneDx Variant Classification Process June 2021. Collection method: clinical testing. Allele origin: germline. Affected: yes.
Comment: In silico analysis supports that this missense variant does not alter protein structure/function; Observed in individual(s) with colorectal cancer, but also in unaffected controls (Azzopardi et al., 2008; DeRycke et al., 2017); This variant is associated with the following publications: (PMID: 26486734, 18199528, 28944238, 35709138)

Sema4
Classification: Uncertain significance for Hereditary cancer-predisposing syndrome. Last evaluated: 2022-01-31. Review status: criteria provided, single submitter. Criteria: Sema4 Curation Guidelines. Collection method: curation. Allele origin: germline.
Comment: The APC c.4478C>T (p.T1493M) variant has been reported in heterozygosity in at least one individual with colon cancer (PMID: 28944238), but has been also found in healthy individuals (PMID: 18199528). This variant was observed in 8/281844 chromosomes across all populations in the large and broad cohorts of the Genome Aggregation Database (PMID: 32461654). This variant has been reported in ClinVar (Variation ID: 141521). Functional studies have not been performed, and in silico predictions of the variant's effect on protein function are inconclusive. The evidence is insufficient to meet ACMG/AMP criteria for classifying the variant as benign or pathogenic. Thus, the clinical significance of this variant is currently uncertain.

Ambry Genetics
Classification: Benign for Hereditary cancer-predisposing syndrome. Last evaluated: 2021-03-17. Review status: criteria provided, single submitter. Criteria: Ambry Variant Classification Scheme 2023. Collection method: clinical testing. Allele origin: germline.

Eurofins Ntd Llc (ga)
Classification: Uncertain significance. Last evaluated: 2018-03-21. Review status: criteria provided, single submitter. Criteria: EGL ClinVar v180209 classification definitions. Collection method: clinical testing. Allele origin: germline. Observed: 1 variant allele, 1 heterozygote.

Women's Health and Genetics/Laboratory Corporation of America, LabCorp
Classification: Uncertain significance. Last evaluated: 2017-06-16. Review status: criteria provided, single submitter. Criteria: LabCorp Variant Classification Summary - May 2015. Collection method: clinical testing. Allele origin: germline.
Comment: Variant summary: The APC c.4478C>T (p.Thr1493Met) variant involves the alteration of a conserved nucleotide. 4/4 in silico tools predict a damaging outcome for this variant. This variant was found in 5/123012 control chromosomes at a frequency of 0.0000406, which does not exceed the estimated maximal expected allele frequency of a pathogenic APC variant (0.0000714). The variant was detected in one breast tumor sample and in a control individual in the literature. In addition, multiple clinical diagnostic laboratories/reputable databases classified this variant as uncertain significance. Taken together, this variant is classified as VUS until additional evidence becomes available.

Counsyl
Classification: Uncertain significance for Familial adenomatous polyposis 1. Last evaluated: 2016-01-27. Review status: no assertion criteria provided. Collection method: clinical testing. Allele origin: unknown. Not counted in ClinVar's aggregate classification.

Literature cited by the submitters: PubMed 28944238 (cited by Quest Diagnostics Nichols Institute San Juan Capistrano and Sema4); PubMed 18199528 (cited by 5 submitters); PubMed 26486734 (cited by 4 submitters).